The following is an entry in ClinVar:

NM_000179.3(MSH6):c.2525del (p.Ala842fs)

Gene: MSH6 (mutS homolog 6; plus strand). Cytogenetic location: 2p16.3.
Variant type: Deletion.
Coding change: c.2525del on transcript NM_000179.3 (MANE Select); coding-DNA position 2525, one base deleted (C; older notation c.2525delC).
Protein change: p.Ala842fs; shifts the reading frame from alanine 842.
Molecular consequence: frameshift variant.
Genome position (GRCh38, 1-based): chr2:47,800,508, C deleted. VCF-style (leftmost placement, unchanged base first): chr2-47800507-GC-G. GRCh37 (hg19) VCF-style: chr2-48027646-GC-G.
Other names: c.2135del, p.Ala712fs (NM_001281492.2); c.1619del, p.Ala540fs (NM_001281493.2, NM_001281494.2); c.2621delC, p.Ala874Valfs (NM_001406795.1, NM_001406802.1); c.2525delC, p.Ala842Valfs (NM_001406796.1, NM_001406798.1, NM_001406800.1 and 2 more transcripts); c.2228delC, p.Ala743Valfs (NM_001406797.1, NM_001406801.1, NM_001406805.1 and 10 more transcripts); c.2000delC, p.Ala667Valfs (NM_001406799.1, NM_001406806.1, NM_001406807.1); c.2447delC, p.Ala816Valfs (NM_001406804.1); c.1619delC, p.Ala540Valfs (NM_001406811.1, NM_001406812.1, NM_001406814.1 and 4 more transcripts); and 2 more; short protein forms A712fs, A540fs, A842fs.
Identifiers: ClinVar variation 2056671 (VCV002056671.4), dbSNP rs2530677736, ClinGen allele CA2580067937.
Genomic context (GRCh38, chr2:47,800,507, plus strand): 5'-CTCAGTAAAATTCATAATGTTGGGTCTCCCCTGAAGAGTCAGAACCACCCAGACAGCAGG[GC>G]TATAATGTATGAAGAAACTACATACAGCAAGAAGAAGATTATTGATTTTCTTTCTGCTCT-3'

ClinVar aggregate classification (germline): Pathogenic (1 of 4 stars; one submission).

Conditions:
Hereditary nonpolyposis colorectal neoplasms. Identifiers: MedGen C0009405, MeSH D003123.

Submission:

Labcorp Genetics (formerly Invitae), Labcorp
Classification: Pathogenic for Hereditary nonpolyposis colorectal neoplasms. Last evaluated: 2021-12-24. Review status: criteria provided, single submitter. Criteria: Invitae Variant Classification Sherloc (09022015). Collection method: clinical testing. Allele origin: germline.
Comment: This variant is not present in population databases (gnomAD no frequency). For these reasons, this variant has been classified as Pathogenic. Algorithms developed to predict the effect of sequence changes on RNA splicing suggest that this variant may create or strengthen a splice site. This variant has not been reported in the literature in individuals affected with MSH6-related conditions. This sequence change creates a premature translational stop signal (p.Ala842Valfs*2) in the MSH6 gene. It is expected to result in an absent or disrupted protein product. Loss-of-function variants in MSH6 are known to be pathogenic (PMID: 18269114, 24362816).

Literature cited by the submitters: PubMed 18269114; PubMed 24362816.